The following is an entry in ClinVar:

ClinVar aggregate classification (germline): Uncertain significance (1 of 4 stars; one submission).

Conditions:
Cardiovascular phenotype. Identifiers: MedGen CN230736.

Submission:

Ambry Genetics
Classification: Uncertain significance for Cardiovascular phenotype. Last evaluated: 2025-05-02. Review status: criteria provided, single submitter. Criteria: Ambry Variant Classification Scheme 2023. Collection method: clinical testing. Allele origin: germline.
Comment: The p.F733S variant (also known as c.2198T>C), located in coding exon 16 of the DSP gene, results from a T to C substitution at nucleotide position 2198. The phenylalanine at codon 733 is replaced by serine, an amino acid with highly dissimilar properties. This amino acid position is conserved. In addition, this alteration is predicted to be deleterious by in silico analysis. Based on the available evidence, the clinical significance of this variant remains unclear.

NM_004415.4(DSP):c.2198T>C (p.Phe733Ser)

Gene: DSP (desmoplakin; plus strand). Cytogenetic location: 6p24.3.
Variant type: single nucleotide variant.
Coding change: c.2198T>C on transcript NM_004415.4 (MANE Select); coding-DNA position 2198, T replaced by C.
Protein change: p.Phe733Ser; replaces phenylalanine 733 with serine.
Molecular consequence: missense variant.
Genome position (GRCh38, 1-based): chr6:7,574,153, T>C. VCF-style: chr6-7574153-T-C. GRCh37 (hg19) VCF-style: chr6-7574386-T-C.
Other names: c.2198T>C, p.Phe733Ser (NM_001008844.3, NM_001319034.2); short protein forms F733S.
Identifiers: ClinVar variation 4015098 (VCV004015098.1).